The following is an entry in ClinVar:

NM_000070.3(CAPN3):c.945G>A (p.Arg315=)

Gene: CAPN3 (calpain 3; plus strand). Cytogenetic location: 15q15.1.
Variant type: single nucleotide variant.
Coding change: c.945G>A on transcript NM_000070.3 (MANE Select); coding-DNA position 945, G replaced by A.
Protein change: p.Arg315=; no amino-acid change (arginine 315 retained).
Molecular consequence: synonymous variant. On other transcripts: intron variant (1).
Genome position (GRCh38, 1-based): chr15:42,390,096, G>A. VCF-style: chr15-42390096-G-A. GRCh37 (hg19) VCF-style: chr15-42682294-G-A.
Other names: c.945G>A, p.Arg315= (NM_024344.2); c.801+1000G>A (NM_173087.2).
Identifiers: ClinVar variation 3651629 (VCV003651629.2).
Genomic context (GRCh38, chr15:42,390,096, plus strand): 5'-TAACTCACTGCTCCAGGACTCAGACCTCGACCCCAGAGGCTCAGATGAAAGACCGACCCG[G>A]GTGTGTACACCTCCGATTATCAGAACTGACCATCCCTCCAACCCACATGACCCCGCCCTA-3'
Protein context (NP_000061.1, residues 305-325): DPRGSDERPT[Arg315=]TIIPVQYETR

ClinVar aggregate classification (germline): Uncertain significance (1 of 4 stars; one submission).

Conditions:
Autosomal recessive limb-girdle muscular dystrophy type 2A (LGMDR1). Also called: LEYDEN-MOEBIUS MUSCULAR DYSTROPHY; MUSCULAR DYSTROPHY, PELVOFEMORAL; Limb-girdle muscular dystrophy, type 2A; Calpainopathy; Muscular dystrophy, limb-girdle, type 2A, Amish. Identifiers: Orphanet 267, MedGen C1869123, MONDO:0009675, OMIM 253600. Disease mechanism: loss of function.

Submission:

Labcorp Genetics (formerly Invitae), Labcorp
Classification: Uncertain significance for Autosomal recessive limb-girdle muscular dystrophy type 2A. Last evaluated: 2025-10-02. Review status: criteria provided, single submitter. Criteria: Invitae Variant Classification Sherloc (09022015). Collection method: clinical testing. Allele origin: germline.
Comment: This sequence change affects codon 315 of the CAPN3 mRNA. It is a 'silent' change, meaning that it does not change the encoded amino acid sequence of the CAPN3 protein. This variant also falls at the last nucleotide of exon 6, which is part of the consensus splice site for this exon. This variant is not present in population databases (gnomAD no frequency). This variant has been observed in individual(s) with Limb-Girdle Muscular Dystrophy (PMID: 28915917). ClinVar contains an entry for this variant (Variation ID: 3651629). Variants that disrupt the consensus splice site are a relatively common cause of aberrant splicing (PMID: 17576681, 9536098). Algorithms developed to predict the effect of sequence changes on RNA splicing suggest that this variant may disrupt the consensus splice site. In summary, the available evidence is currently insufficient to determine the role of this variant in disease. Therefore, it has been classified as a Variant of Uncertain Significance.

Literature cited by the submitters: PubMed 28915917; PubMed 17576681; PubMed 9536098.